The following is an entry in ClinVar:

ClinVar aggregate classification (germline): Uncertain significance. Review status: criteria provided, multiple submitters, no conflicts (2 of 4 stars). 2 submissions from 2 submitters: Uncertain significance (2). Last evaluated 2025-01-23.

Conditions:
Ataxia-telangiectasia syndrome (AT). Also called: ATAXIA-TELANGIECTASIA, FRESNO VARIANT; Ataxia-telangiectasia, complementation group E; Ataxia telangiectasia (A-T); Cerebello-oculocutaneous telangiectasia; Immunodeficiency with ataxia telangiectasia; LOUIS-BAR SYNDROME. Identifiers: Orphanet 100, MedGen C0004135, MONDO:0008840, OMIM 208900.
Hereditary cancer-predisposing syndrome. Also called: Hereditary Cancer Syndrome; Tumor predisposition; Neoplastic Syndromes, Hereditary; Hereditary neoplastic syndrome. Identifiers: Orphanet 140162, MedGen C0027672, MeSH D009386, MONDO:0015356.

Allele frequency attached by ClinVar (database versions not stated): gnomAD 0.00001.
gnomAD v4.1: 1 of 1,612,660 alleles (0.000062%); highest among the groups gnomAD compares: African/African-American, 0.0013%; no homozygotes.

Submissions (2):

Ambry Genetics
Classification: Uncertain significance for Hereditary cancer-predisposing syndrome. Last evaluated: 2025-01-23. Review status: criteria provided, single submitter. Criteria: Ambry Variant Classification Scheme 2023. Collection method: clinical testing. Allele origin: germline.
Comment: The p.S1104Y variant (also known as c.3311C>A), located in coding exon 22 of the ATM gene, results from a C to A substitution at nucleotide position 3311. The serine at codon 1104 is replaced by tyrosine, an amino acid with dissimilar properties. This amino acid position is not well conserved in available vertebrate species. In addition, this alteration is predicted to be tolerated by in silico analysis. Since supporting evidence is limited at this time, the clinical significance of this alteration remains unclear.

Labcorp Genetics (formerly Invitae), Labcorp
Classification: Uncertain significance for Ataxia-telangiectasia syndrome. Last evaluated: 2021-08-28. Review status: criteria provided, single submitter. Criteria: Invitae Variant Classification Sherloc (09022015). Collection method: clinical testing. Allele origin: germline.
Comment: This sequence change replaces serine with tyrosine at codon 1104 of the ATM protein (p.Ser1104Tyr). The serine residue is weakly conserved and there is a large physicochemical difference between serine and tyrosine. This variant is not present in population databases (ExAC no frequency). This variant has not been reported in the literature in individuals affected with ATM-related conditions. Algorithms developed to predict the effect of missense changes on protein structure and function (SIFT, PolyPhen-2, Align-GVGD) all suggest that this variant is likely to be tolerated. In summary, the available evidence is currently insufficient to determine the role of this variant in disease. Therefore, it has been classified as a Variant of Uncertain Significance.

NM_000051.4(ATM):c.3311C>A (p.Ser1104Tyr)

Gene: ATM (ATM serine/threonine kinase; plus strand). Cytogenetic location: 11q22.3.
Variant type: single nucleotide variant.
Coding change: c.3311C>A on transcript NM_000051.4 (MANE Select); coding-DNA position 3311, C replaced by A.
Protein change: p.Ser1104Tyr; replaces serine 1104 with tyrosine.
Molecular consequence: missense variant.
Genome position (GRCh38, 1-based): chr11:108,279,517, C>A. VCF-style: chr11-108279517-C-A. GRCh37 (hg19) VCF-style: chr11-108150244-C-A.
Other names: c.3311C>A, p.Ser1104Tyr (NM_001351834.2); short protein forms S1104Y.
Identifiers: ClinVar variation 648305 (VCV000648305.11), dbSNP rs1555090126, ClinGen allele CA382517415.